The following is an entry in ClinVar:

ClinVar aggregate classification (germline): Uncertain significance (1 of 4 stars; one submission).

Allele frequency attached by ClinVar (database versions not stated): ExAC 0.00001; gnomAD exomes 0.00001.
gnomAD v4.1: 14 of 1,614,018 alleles (0.00087%); highest among the groups gnomAD compares: South Asian, 0.0022%; no homozygotes.

Submission:

Labcorp Genetics (formerly Invitae), Labcorp
Classification: Uncertain significance. Last evaluated: 2024-06-12. Review status: criteria provided, single submitter. Criteria: Invitae Variant Classification Sherloc (09022015). Collection method: clinical testing. Allele origin: germline.
Comment: This sequence change replaces arginine, which is basic and polar, with tryptophan, which is neutral and slightly polar, at codon 2519 of the KMT2A protein (p.Arg2519Trp). This variant is present in population databases (rs782129680, gnomAD 0.003%). This variant has not been reported in the literature in individuals affected with KMT2A-related conditions. Advanced modeling of protein sequence and biophysical properties (such as structural, functional, and spatial information, amino acid conservation, physicochemical variation, residue mobility, and thermodynamic stability) performed at Invitae indicates that this missense variant is not expected to disrupt KMT2A protein function with a negative predictive value of 95%. In summary, the available evidence is currently insufficient to determine the role of this variant in disease. Therefore, it has been classified as a Variant of Uncertain Significance.

NM_001197104.2(KMT2A):c.7555C>T (p.Arg2519Trp)

Gene: KMT2A (lysine methyltransferase 2A; plus strand). Cytogenetic location: 11q23.3.
Variant type: single nucleotide variant.
Coding change: c.7555C>T on transcript NM_001197104.2 (MANE Select); coding-DNA position 7555, C replaced by T.
Protein change: p.Arg2519Trp; replaces arginine 2519 with tryptophan.
Molecular consequence: missense variant.
Genome position (GRCh38, 1-based): chr11:118,503,447, C>T. VCF-style: chr11-118503447-C-T. GRCh37 (hg19) VCF-style: chr11-118374162-C-T.
Other names: c.7645C>T, p.Arg2549Trp (NM_001412597.1); c.7546C>T, p.Arg2516Trp (NM_005933.4); short protein forms R2516W, R2519W, R2549W.
Identifiers: ClinVar variation 2960961 (VCV002960961.3), dbSNP rs782129680, ClinGen allele CA6304411.